The following is an entry in ClinVar:

ClinVar aggregate classification (germline): Conflicting classifications of pathogenicity. Review status: criteria provided, conflicting classifications (1 of 4 stars). 3 submissions from 3 submitters: Pathogenic (1); Likely pathogenic (1); Uncertain significance (1). Last evaluated 2025-03-05.

Conditions:
Nephronophthisis. Also called: Juvenile Nephronophthisis. Identifiers: Orphanet 655, MedGen C0687120, MONDO:0019005, HP:0000090.
Senior-Loken syndrome 1 (SLSN1). Also called: JUVENILE NEPHRONOPHTHISIS WITH LEBER AMAUROSIS. Identifiers: Orphanet 3156, MedGen C4551559, MONDO:0009962, OMIM 266900.
Nephronophthisis 1 (NPHP1). Also called: Nephronophthisis familial juvenile. Identifiers: Orphanet 655, Orphanet 93592, MedGen C1855681, MONDO:0009728, OMIM 256100.
Joubert syndrome with renal defect. Also called: JOUBERT SYNDROME 4. Identifiers: Orphanet 220497, MedGen C1846790, MONDO:0012308, OMIM 609583.

Allele frequency attached by ClinVar (database versions not stated): gnomAD 0.00001; TOPMed 0.00001.
gnomAD v4.1: 3 of 1,613,966 alleles (0.00019%); highest among the groups gnomAD compares: African/African-American, 0.004%; no homozygotes.

Submissions (3):

Labcorp Genetics (formerly Invitae), Labcorp
Classification: Pathogenic for Nephronophthisis. Last evaluated: 2025-03-05. Review status: criteria provided, single submitter. Criteria: Invitae Variant Classification Sherloc (09022015). Collection method: clinical testing. Allele origin: germline.
Comment: This sequence change creates a premature translational stop signal (p.Trp675*) in the NPHP1 gene. While this is not anticipated to result in nonsense mediated decay, it is expected to disrupt the last 59 amino acid(s) of the NPHP1 protein. This variant is not present in population databases (gnomAD no frequency). This variant has not been reported in the literature in individuals affected with NPHP1-related conditions. ClinVar contains an entry for this variant (Variation ID: 523832). Algorithms developed to predict the effect of sequence changes on RNA splicing suggest that this variant may create or strengthen a splice site. This variant disrupts a region of the NPHP1 protein in which other variant(s) (p.Phe715Leufs*14) have been determined to be pathogenic (internal data). This suggests that this is a clinically significant region of the protein, and that variants that disrupt it are likely to be disease-causing. For these reasons, this variant has been classified as Pathogenic.

Fulgent Genetics
Classification: Likely pathogenic for Nephronophthisis 1; Senior-Loken syndrome 1; Joubert syndrome with renal defect. Last evaluated: 2024-06-13. Review status: criteria provided, single submitter. Criteria: ACMG Guidelines, 2015. Collection method: clinical testing. Allele origin: germline.

GeneDx
Classification: Uncertain significance. Last evaluated: 2018-03-22. Review status: criteria provided, single submitter. Criteria: GeneDx Variant Classification (06012015). Collection method: clinical testing. Allele origin: germline. Affected: yes.
Comment: The W675X variant in the NPHP1 gene has not been reported previously as a pathogenic variant nor as a benign variant, to our knowledge. This variant is predicted to cause loss of normal protein function through protein truncation, as the last 58 amino acid residues are lost. The W675X variant is not observed in large population cohorts (Lek et al., 2016). We interpret W675X as a variant of uncertain significance.

NM_001128178.3(NPHP1):c.1857G>A (p.Trp619Ter)

Gene: NPHP1 (nephrocystin 1; minus strand). Cytogenetic location: 2q13.
Variant type: single nucleotide variant.
Coding change: c.1857G>A on transcript NM_001128178.3 (MANE Select); coding-DNA position 1857, G replaced by A.
Protein change: p.Trp619Ter; replaces tryptophan 619 with a stop codon.
Molecular consequence: nonsense. On other transcripts: 3 prime UTR variant (1).
Genome position (GRCh38, 1-based): chr2:110,123,968, C>T on the plus strand (G>A on the coding strand, the complement: NPHP1 is on the minus strand). VCF-style: chr2-110123968-C-T. GRCh37 (hg19) VCF-style: chr2-110881545-C-T.
Other names: c.2025G>A, p.Trp675Ter (NM_000272.5); c.1668G>A, p.Trp556Ter (NM_001128179.3); c.1854G>A, p.Trp618Ter (NM_001374256.1); c.*99G>A (NM_001374257.1); c.2022G>A, p.Trp674Ter (NM_207181.4); c.2025G>A (NM_000272.4); short protein forms W675*, W674*, W556*, W619*, W618*.
Identifiers: ClinVar variation 523832 (VCV000523832.9), dbSNP rs1473345628, ClinGen allele CA348086183.